The following is an entry in ClinVar:

NM_015665.6(AAAS):c.254del (p.Arg85fs)

Gene: AAAS (aladin WD repeat nucleoporin; minus strand). Cytogenetic location: 12q13.13.
Variant type: Deletion.
Coding change: c.254del on transcript NM_015665.6 (MANE Select); coding-DNA position 254, one base deleted (G; older notation c.254delG).
Protein change: p.Arg85fs; shifts the reading frame from arginine 85.
Molecular consequence: frameshift variant.
Genome position (GRCh38, 1-based): chr12:53,315,780, C deleted on the plus strand (G on the coding strand, the reverse complement: AAAS is on the minus strand). VCF-style (leftmost placement, unchanged base first): chr12-53315779-AC-A. GRCh37 (hg19) VCF-style: chr12-53709563-AC-A.
Other names: c.254del, p.Arg85fs (NM_001173466.2); short protein forms R85fs.
Identifiers: ClinVar variation 2761422 (VCV002761422.3), dbSNP rs2498628131, ClinGen allele CA2697559284.

ClinVar aggregate classification (germline): Pathogenic (1 of 4 stars; one submission).

Submission:

Labcorp Genetics (formerly Invitae), Labcorp
Classification: Pathogenic. Last evaluated: 2023-09-18. Review status: criteria provided, single submitter. Criteria: Invitae Variant Classification Sherloc (09022015). Collection method: clinical testing. Allele origin: germline.
Comment: This sequence change creates a premature translational stop signal (p.Arg85Leufs*9) in the AAAS gene. It is expected to result in an absent or disrupted protein product. Loss-of-function variants in AAAS are known to be pathogenic (PMID: 11159947). This variant is not present in population databases (gnomAD no frequency). This variant has not been reported in the literature in individuals affected with AAAS-related conditions. For these reasons, this variant has been classified as Pathogenic.

Literature cited by the submitters: PubMed 11159947.